The following is an entry in ClinVar:

ClinVar aggregate classification (germline): Uncertain significance (1 of 4 stars; one submission).

Conditions:
Fanconi anemia complementation group E (FANCE). Also called: FANCE-Related Fanconi Anemia. Identifiers: Orphanet 84, MedGen C3160739, MONDO:0010953, OMIM 600901.

Submission:

Labcorp Genetics (formerly Invitae), Labcorp
Classification: Uncertain significance for Fanconi anemia complementation group E. Last evaluated: 2024-11-05. Review status: criteria provided, single submitter. Criteria: Invitae Variant Classification Sherloc (09022015). Collection method: clinical testing. Allele origin: germline.
Comment: This sequence change replaces valine, which is neutral and non-polar, with methionine, which is neutral and non-polar, at codon 46 of the FANCE protein (p.Val46Met). This variant is not present in population databases (gnomAD no frequency). This variant has not been reported in the literature in individuals affected with FANCE-related conditions. Invitae Evidence Modeling of protein sequence and biophysical properties (such as structural, functional, and spatial information, amino acid conservation, physicochemical variation, residue mobility, and thermodynamic stability) indicates that this missense variant is not expected to disrupt FANCE protein function with a negative predictive value of 80%. In summary, the available evidence is currently insufficient to determine the role of this variant in disease. Therefore, it has been classified as a Variant of Uncertain Significance.

NM_021922.3(FANCE):c.136G>A (p.Val46Met)

Genes: FANCE (FA complementation group E; plus strand), LOC129996245 (ATAC-STARR-seq lymphoblastoid silent region 17092; plus strand). Cytogenetic location: 6p21.31.
Variant type: single nucleotide variant.
Coding change: c.136G>A on transcript NM_021922.3 (MANE Select); coding-DNA position 136, G replaced by A.
Protein change: p.Val46Met; replaces valine 46 with methionine.
Molecular consequence: missense variant.
Genome position (GRCh38, 1-based): chr6:35,452,681, G>A. VCF-style: chr6-35452681-G-A. GRCh37 (hg19) VCF-style: chr6-35420458-G-A.
Other names: c.136G>A, p.Val46Met (NM_001410876.1); short protein forms V46M.
Identifiers: ClinVar variation 3707067 (VCV003707067.2).
Genomic context (GRCh38, chr6:35,452,681, plus strand): 5'-GCCCGCCTCCTGCTGCAGGCGCTGCAGGCGGGGCCTGAGGGGGCGCGGCGCGGCCTGGGG[G>A]TGCTCCGGGCGCTGGGCAGCCGCGGCTGGGAGCCCTTCGACTGGGGTCGCTTGCTCGAGG-3'
Protein context (NP_068741.1, residues 36-56): GPEGARRGLG[Val46Met]LRALGSRGWE